The following is an entry in ClinVar:

NM_007294.4(BRCA1):c.177A>G (p.Ser59=)

Gene: BRCA1 (BRCA1 DNA repair associated; minus strand). Cytogenetic location: 17q21.31.
Variant type: single nucleotide variant.
Coding change: c.177A>G on transcript NM_007294.4 (MANE Select); coding-DNA position 177, A replaced by G.
Protein change: p.Ser59=; no amino-acid change (serine 59 retained).
Molecular consequence: synonymous variant. On other transcripts: 5 prime UTR variant (61), intron variant (34).
Genome position (GRCh38, 1-based): chr17:43,106,491, T>C on the plus strand (A>G on the coding strand, the complement: BRCA1 is on the minus strand). VCF-style: chr17-43106491-T-C. GRCh37 (hg19) VCF-style: chr17-41258508-T-C.
Other names: c.-12A>G (NM_001407571.1, NM_001407853.1, NM_001407879.1 and 58 more transcripts); c.177A>G, p.Ser59= (NM_001407581.1, NM_001407582.1, NM_001407583.1 and 168 more transcripts); c.36A>G, p.Ser12= (NM_001407692.1, NM_001407694.1, NM_001407695.1 and 99 more transcripts); c.-218-11631A>G (NM_001407967.1, NM_001407966.1); c.-169-1535A>G (NM_001407959.1, NM_001407962.1, NM_001408512.1 and 4 more transcripts); c.81-1535A>G (NM_001408451.1); c.135-1535A>G (NM_001408475.1, NM_001407875.1, NM_001407659.1 and 21 more transcripts).
Identifiers: ClinVar variation 865228 (VCV000865228.3), dbSNP rs2054782640, ClinGen allele CA500128149.

Conditions:
Breast-ovarian cancer, familial, susceptibility to, 1 (BROVCA1). Also called: BRCA1 Hereditary Breast and Ovarian Cancer; OVARIAN CANCER, SUSCEPTIBILITY TO. Identifiers: Orphanet 145, MedGen C2676676, MONDO:0011450, OMIM 604370. Disease mechanism: loss of function.

Submission:

Brotman Baty Institute, University of Washington
No classification provided (evidence only). Condition: Breast-ovarian cancer, familial 1. Review status: no classification provided. Collection method: in vitro. Allele origin: not applicable. Functional consequence: functionally_normal.
ClinVar note: "not provided" was previously submitted as the classification for the variant. However, the classification appeared to be based only on an observation of functional data so it was converted to no classification on 2025-07-30.